The following is an entry in ClinVar:

ClinVar aggregate classification (germline): Uncertain significance (1 of 4 stars; one submission).

Submission:

GeneDx
Classification: Uncertain significance. Last evaluated: 2017-02-27. Review status: criteria provided, single submitter. Criteria: GeneDx Variant Classification (06012015). Collection method: clinical testing. Allele origin: germline. Affected: yes.
Comment: The c.1469_1474delATGACA variant has not been published as a pathogenic variant, nor has it been reported as a benign variant to our knowledge. The variant is not observed in large population cohorts (Lek et al., 2016; 1000 Genomes Consortium et al., 2015; Exome Variant Server). This in-frame deletion within the Ig-like C2-type 5 domain removes two amnio acids that are conserved in mammals. However, similar variants have not been reported in this region of the protein in association with L1CAM-related disorders. In summary, based on the currently available information, it is unclear whether this variant is pathogenic or a rare benign variant.

NM_001278116.2(L1CAM):c.1469_1474del (p.Asn490_Asp491del)

Gene: L1CAM (L1 cell adhesion molecule; minus strand). Cytogenetic location: Xq28.
Variant type: Deletion.
Coding change: c.1469_1474del on transcript NM_001278116.2 (MANE Select); coding-DNA positions 1469 to 1474, 6 bases deleted (ATGACA; older notation c.1469_1474delATGACA).
Protein change: p.Asn490_Asp491del.
Molecular consequence: inframe deletion.
Genome position (GRCh38, 1-based): chrX:153,868,633-153,868,638, TGTCAT deleted on the plus strand (ATGACA on the coding strand, the reverse complement: L1CAM is on the minus strand); deleting any 6 consecutive bases within chrX:153,868,633-153,868,640 gives the same sequence; the c. name uses the placement nearest the transcript's 3' end. VCF-style (leftmost placement, unchanged base first): chrX-153868632-GTGTCAT-G. GRCh37 (hg19) VCF-style: chrX-153134087-GTGTCAT-G.
Other names: c.1469_1474del, p.Asn490_Asp491del (NM_000425.5, NM_024003.3); c.1454_1459del, p.Asn485_Asp486del (NM_001143963.2).
Identifiers: ClinVar variation 426973 (VCV000426973.2), dbSNP rs1085307881, ClinGen allele CA645294136.
Genomic context (GRCh38, chrX:153,868,632, plus strand): 5'-AGGTTAGCCATGATGGTAACATTGTTTTGGTCATTGGCAGCCAGGCAGAAGTAGCGTCCG[GTGTCAT>G]TGGCCTGGAGGTCTCGAATGCCCAGGGTCCCATTGGCATAGGGGAAGAAGCGTTCGTCCT-3'